The following is an entry in ClinVar:

ClinVar aggregate classification (germline): Uncertain significance. Review status: criteria provided, multiple submitters, no conflicts (2 of 4 stars). 2 submissions from 2 submitters: Uncertain significance (2). Last evaluated 2023-09-12.

Conditions:
Hereditary breast ovarian cancer syndrome. Also called: BRCA1- and BRCA2-Associated Hereditary Breast and Ovarian Cancer; Hereditary breast and ovarian cancer; Hereditary breast and ovarian cancer syndrome (HBOC); Breast and ovarian cancer; Hereditary breast and ovarian cancer syndrome; Hereditary breast and/or ovarian cancer syndrome. Identifiers: Orphanet 145, MedGen C0677776, MeSH D061325, MONDO:0003582. Disease mechanism: loss of function.
Hereditary cancer-predisposing syndrome. Also called: Hereditary neoplastic syndrome; Tumor predisposition; Hereditary Cancer Syndrome; Neoplastic Syndromes, Hereditary. Identifiers: Orphanet 140162, MedGen C0027672, MeSH D009386, MONDO:0015356.

Submissions (2):

Ambry Genetics
Classification: Uncertain significance for Hereditary cancer-predisposing syndrome. Last evaluated: 2023-09-12. Review status: criteria provided, single submitter. Criteria: Ambry Variant Classification Scheme 2023. Collection method: clinical testing. Allele origin: germline.
Comment: The p.W395R variant (also known as c.1183T>C), located in coding exon 9 of the BRCA2 gene, results from a T to C substitution at nucleotide position 1183. The tryptophan at codon 395 is replaced by arginine, an amino acid with dissimilar properties. This amino acid position is conserved. In addition, this alteration is predicted to be tolerated by in silico analysis. Since supporting evidence is limited at this time, the clinical significance of this alteration remains unclear.

Labcorp Genetics (formerly Invitae), Labcorp
Classification: Uncertain significance for Hereditary breast ovarian cancer syndrome. Last evaluated: 2023-06-04. Review status: criteria provided, single submitter. Criteria: Invitae Variant Classification Sherloc (09022015). Collection method: clinical testing. Allele origin: germline.
Comment: In summary, the available evidence is currently insufficient to determine the role of this variant in disease. Therefore, it has been classified as a Variant of Uncertain Significance. This variant has not been reported in the literature in individuals affected with BRCA2-related conditions. This variant is not present in population databases (gnomAD no frequency). This sequence change replaces tryptophan, which is neutral and slightly polar, with arginine, which is basic and polar, at codon 395 of the BRCA2 protein (p.Trp395Arg). Advanced modeling of protein sequence and biophysical properties (such as structural, functional, and spatial information, amino acid conservation, physicochemical variation, residue mobility, and thermodynamic stability) performed at Invitae indicates that this missense variant is not expected to disrupt BRCA2 protein function.

NM_000059.4(BRCA2):c.1183T>C (p.Trp395Arg)

Gene: BRCA2 (BRCA2 DNA repair associated; plus strand). Cytogenetic location: 13q13.1.
Variant type: single nucleotide variant.
Coding change: c.1183T>C on transcript NM_000059.4 (MANE Select); coding-DNA position 1183, T replaced by C.
Protein change: p.Trp395Arg; replaces tryptophan 395 with arginine.
Molecular consequence: missense variant. On other transcripts: non-coding transcript variant (1), intron variant (1).
Genome position (GRCh38, 1-based): chr13:32,332,661, T>C. VCF-style: chr13-32332661-T-C. GRCh37 (hg19) VCF-style: chr13-32906798-T-C.
Other names: c.1183T>C, p.Trp395Arg (NM_001406719.1, NM_001406720.1, NM_001406721.1); c.424+1631T>C (NM_001406722.1); short protein forms W395R.
Identifiers: ClinVar variation 2586324 (VCV002586324.5), dbSNP rs80358412, ClinGen allele CA387761994.
Genomic context (GRCh38, chr13:32,332,661, plus strand): 5'-CCCTTTGAGAGTGGAAGTGACAAAATCTCCAAGGAAGTTGTACCGTCTTTGGCCTGTGAA[T>C]GGTCTCAACTAACCCTTTCAGGTCTAAATGGAGCCCAGATGGAGAAAATACCCCTATTGC-3'
Protein context (NP_000050.3, residues 385-405): KEVVPSLACE[Trp395Arg]SQLTLSGLNG